The following is an entry in ClinVar:

ClinVar aggregate classification (germline): Uncertain significance (1 of 4 stars; one submission).

Conditions:
Renal carnitine transport defect (CDSP). Also called: Carnitine transporter deficiency; Carnitine Deficiency, Systemic; Systemic primary carnitine deficiency disease; Primary carnitine deficiency; CARNITINE DEFICIENCY, SYSTEMIC, DUE TO DEFECT IN RENAL REABSORPTION OF CARNITINE; CARNITINE TRANSPORTER, PLASMA-MEMBRANE, DEFICIENCY OF. Identifiers: Orphanet 158, MedGen C0342788, MONDO:0008919, OMIM 212140.

Submission:

Labcorp Genetics (formerly Invitae), Labcorp
Classification: Uncertain significance for Renal carnitine transport defect. Last evaluated: 2023-08-04. Review status: criteria provided, single submitter. Criteria: Invitae Variant Classification Sherloc (09022015). Collection method: clinical testing. Allele origin: germline.
Comment: In summary, the available evidence is currently insufficient to determine the role of this variant in disease. Therefore, it has been classified as a Variant of Uncertain Significance. Advanced modeling of protein sequence and biophysical properties (such as structural, functional, and spatial information, amino acid conservation, physicochemical variation, residue mobility, and thermodynamic stability) performed at Invitae indicates that this missense variant is expected to disrupt SLC22A5 protein function. ClinVar contains an entry for this variant (Variation ID: 1969206). This variant has not been reported in the literature in individuals affected with SLC22A5-related conditions. This variant is not present in population databases (gnomAD no frequency). This sequence change replaces proline, which is neutral and non-polar, with leucine, which is neutral and non-polar, at codon 278 of the SLC22A5 protein (p.Pro278Leu).

NM_003060.4(SLC22A5):c.833C>T (p.Pro278Leu)

Gene: SLC22A5 (solute carrier family 22 member 5; plus strand). Cytogenetic location: 5q31.1.
Variant type: single nucleotide variant.
Coding change: c.833C>T on transcript NM_003060.4 (MANE Select); coding-DNA position 833, C replaced by T.
Protein change: p.Pro278Leu; replaces proline 278 with leucine.
Molecular consequence: missense variant.
Genome position (GRCh38, 1-based): chr5:132,387,033, C>T. VCF-style: chr5-132387033-C-T. GRCh37 (hg19) VCF-style: chr5-131722725-C-T.
Other names: c.905C>T, p.Pro302Leu (NM_001308122.2); short protein forms P278L, P302L.
Identifiers: ClinVar variation 1969206 (VCV001969206.5), dbSNP rs2532125025, ClinGen allele CA360805518.